The following is an entry in ClinVar:

NM_000077.5(CDKN2A):c.466G>T (p.Asp156Tyr)

Gene: CDKN2A (cyclin dependent kinase inhibitor 2A; minus strand). Cytogenetic location: 9p21.3.
Variant type: single nucleotide variant.
Coding change: c.466G>T on transcript NM_000077.5; coding-DNA position 466, G replaced by T.
Protein change: p.Asp156Tyr; replaces aspartic acid 156 with tyrosine.
Molecular consequence: missense variant (on NM_000077.6). On other transcripts: 3 prime UTR variant (3).
Genome position (GRCh38, 1-based): chr9:21,968,234, C>A on the plus strand (G>T on the coding strand, the complement: CDKN2A is on the minus strand). VCF-style: chr9-21968234-C-A. GRCh37 (hg19) VCF-style: chr9-21968233-C-A.
Other names: c.466G>T, p.Asp156Tyr (NM_000077.6); c.*159G>T (NM_001195132.2); c.313G>T, p.Asp105Tyr (NM_001363763.2); c.*110G>T (NM_058195.4); c.*389G>T (NM_058197.5); short protein forms D105Y, D156Y.
Identifiers: ClinVar variation 1171898 (VCV001171898.16), dbSNP rs755445934, ClinGen allele CA5012127.
Genomic context (GRCh38, chr9:21,968,234, plus strand): 5'-TTCGGTGACTGATGATCTAAGTTTCCCGAGGTTTCTCAGAGCCTCTCTGGTTCTTTCAAT[C>A]GGGGATGTCTGCAGAGGGCAGAAAGAAAACAGGCGTTAGAAACCTGAGGTCAAAGATGTG-3'
Protein context (NP_000068.1, residues 146-156): DAAEGPSDIP[Asp156Tyr]

ClinVar aggregate classification (germline): Uncertain significance. Review status: criteria provided, multiple submitters, no conflicts (2 of 4 stars). 4 submissions from 4 submitters: Uncertain significance (4). Last evaluated 2025-07-17.

Conditions:
Familial melanoma. Also called: Hereditary melanoma; Hereditary cutaneous melanoma. Identifiers: Orphanet 618, MedGen C1512419, MONDO:0018961.
Hereditary cancer-predisposing syndrome. Also called: Tumor predisposition; Hereditary neoplastic syndrome; Hereditary Cancer Syndrome; Neoplastic Syndromes, Hereditary. Identifiers: Orphanet 140162, MedGen C0027672, MeSH D009386, MONDO:0015356.

Allele frequency attached by ClinVar (database versions not stated): gnomAD exomes below 0.00001; ExAC 0.00001.
gnomAD v4.1: 2 of 1,613,840 alleles (0.00012%); highest among the groups gnomAD compares: Non-Finnish European, 0.00017%; no homozygotes.

Submissions (4):

Ambry Genetics
Classification: Uncertain significance for Hereditary cancer-predisposing syndrome. Last evaluated: 2025-07-17. Review status: criteria provided, single submitter. Criteria: Ambry Variant Classification Scheme 2023. Collection method: clinical testing. Allele origin: germline.
Comment: The p.D156Y variant (also known as c.466G>T), located in coding exon 3 of the CDKN2A gene, results from a G to T substitution at nucleotide position 466. The aspartic acid at codon 156 is replaced by tyrosine, an amino acid with highly dissimilar properties. This amino acid position is not well conserved in available vertebrate species. In addition, this alteration is predicted to be tolerated by in silico analysis. Based on the available evidence, the clinical significance of this variant remains unclear.

Color Diagnostics, LLC DBA Color Health
Classification: Uncertain significance for Hereditary cancer-predisposing syndrome. Last evaluated: 2025-03-17. Review status: criteria provided, single submitter. Criteria: ACMG Guidelines, 2015. Collection method: clinical testing. Allele origin: germline.
Comment: The CDKN2A locus encodes two different gene products, p16INK4a and p14ARF. This missense variant replaces aspartic acid with tyrosine at codon 156 of the CDKN2A (p16INK4A) protein. Computational prediction suggests that this variant may not impact protein structure and function. To our knowledge, functional studies have not been reported for this variant. This variant has not been reported in individuals affected with CDKN2A-related disorders in the literature. This variant has been identified in 1/251264 chromosomes in the general population by the Genome Aggregation Database (gnomAD). The available evidence is insufficient to determine the role of this variant in disease conclusively. Therefore, this variant is classified as a Variant of Uncertain Significance.

Quest Diagnostics Nichols Institute San Juan Capistrano
Classification: Uncertain significance. Last evaluated: 2024-12-11. Review status: criteria provided, single submitter. Criteria: Quest Diagnostics criteria. Collection method: clinical testing. Allele origin: unknown.
Comment: The CDKN2A c.466G>T (p.Asp156Tyr) variant has been reported in the published literature in a cohort of individuals referred for hereditary cancer testing (PMID: 31159747 (2019)). The frequency of this variant in the general population (Genome Aggregation Database) is uninformative in the assessment of its pathogenicity. Analysis of this variant using bioinformatics tools (i.e., MutationTaster and PolyPhen-2) for the prediction of the effect of amino acid changes on protein structure and function yielded predictions that this variant is benign. Based on the available information, we are unable to determine the clinical significance of this variant.

Labcorp Genetics (formerly Invitae), Labcorp
Classification: Uncertain significance for Familial melanoma. Last evaluated: 2022-04-12. Review status: criteria provided, single submitter. Criteria: Invitae Variant Classification Sherloc (09022015). Collection method: clinical testing. Allele origin: germline.
Comment: This sequence change replaces aspartic acid, which is acidic and polar, with tyrosine, which is neutral and polar, at codon 156 of the CDKN2A (p16INK4a) protein (p.Asp156Tyr). This variant is present in population databases (rs755445934, gnomAD 0.0009%). This variant has not been reported in the literature in individuals affected with CDKN2A (p16INK4a)-related conditions. ClinVar contains an entry for this variant (Variation ID: 1171898). Algorithms developed to predict the effect of missense changes on protein structure and function are either unavailable or do not agree on the potential impact of this missense change (SIFT: "Deleterious"; PolyPhen-2: "Benign"; Align-GVGD: "Class C0"). In summary, the available evidence is currently insufficient to determine the role of this variant in disease. Therefore, it has been classified as a Variant of Uncertain Significance.

Literature cited by the submitters: PubMed 31159747 (cited by Quest Diagnostics Nichols Institute San Juan Capistrano).